The following is an entry in ClinVar:

NM_052813.5(CARD9):c.548A>G (p.Tyr183Cys)

Gene: CARD9 (caspase recruitment domain family member 9; minus strand). Cytogenetic location: 9q34.3.
Variant type: single nucleotide variant.
Coding change: c.548A>G on transcript NM_052813.5 (MANE Select); coding-DNA position 548, A replaced by G.
Protein change: p.Tyr183Cys; replaces tyrosine 183 with cysteine.
Molecular consequence: missense variant.
Genome position (GRCh38, 1-based): chr9:136,370,920, T>C on the plus strand (A>G on the coding strand, the complement: CARD9 is on the minus strand). VCF-style: chr9-136370920-T-C. GRCh37 (hg19) VCF-style: chr9-139265372-T-C.
Other names: c.548A>G, p.Tyr183Cys (NM_052814.4); short protein forms Y183C.
Identifiers: ClinVar variation 914849 (VCV000914849.8), dbSNP rs747120908, ClinGen allele CA5333101.

ClinVar aggregate classification (germline): Uncertain significance. Review status: criteria provided, multiple submitters, no conflicts (2 of 4 stars). 2 submissions from 2 submitters: Uncertain significance (2). Last evaluated 2021-12-27.

Conditions:
Predisposition to invasive fungal disease due to CARD9 deficiency (IMD103). Also called: CARD9 IMMUNODEFICIENCY; IMMUNODEFICIENCY 103, SUSCEPTIBILITY TO FUNGAL INFECTIONS; Candidiasis, familial, 2, autosomal recessive. Identifiers: Orphanet 457088, MedGen C1859353, MONDO:0008905, OMIM 212050.

Allele frequency attached by ClinVar (database versions not stated): gnomAD 0.00001; gnomAD exomes 0.00001; TOPMed 0.00001; ExAC 0.00003.
gnomAD v4.1: 17 of 1,612,166 alleles (0.0011%); highest among the groups gnomAD compares: Non-Finnish European, 0.0014%; no homozygotes.

Submissions (2):

Labcorp Genetics (formerly Invitae), Labcorp
Classification: Uncertain significance for Predisposition to invasive fungal disease due to CARD9 deficiency. Last evaluated: 2021-12-27. Review status: criteria provided, single submitter. Criteria: Invitae Variant Classification Sherloc (09022015). Collection method: clinical testing. Allele origin: germline.
Comment: In summary, the available evidence is currently insufficient to determine the role of this variant in disease. Therefore, it has been classified as a Variant of Uncertain Significance. Algorithms developed to predict the effect of missense changes on protein structure and function (SIFT, PolyPhen-2, Align-GVGD) all suggest that this variant is likely to be disruptive. ClinVar contains an entry for this variant (Variation ID: 914849). This variant has not been reported in the literature in individuals affected with CARD9-related conditions. This variant is present in population databases (rs747120908, gnomAD 0.003%). This sequence change replaces tyrosine, which is neutral and polar, with cysteine, which is neutral and slightly polar, at codon 183 of the CARD9 protein (p.Tyr183Cys).

Illumina Laboratory Services, Illumina
Classification: Uncertain significance for Predisposition to invasive fungal disease due to CARD9 deficiency. Last evaluated: 2018-01-13. Review status: criteria provided, single submitter. Criteria: ICSL Variant Classification Criteria 13 December 2019. Collection method: clinical testing. Allele origin: germline.